The following is an entry in ClinVar:

NM_000548.5(TSC2):c.3314C>T (p.Thr1105Ile)

Gene: TSC2 (TSC complex subunit 2; plus strand). Cytogenetic location: 16p13.3.
Variant type: single nucleotide variant.
Coding change: c.3314C>T on transcript NM_000548.5 (MANE Select); coding-DNA position 3314, C replaced by T.
Protein change: p.Thr1105Ile; replaces threonine 1105 with isoleucine.
Molecular consequence: missense variant.
Genome position (GRCh38, 1-based): chr16:2,079,586, C>T. VCF-style: chr16-2079586-C-T. GRCh37 (hg19) VCF-style: chr16-2129587-C-T.
Other names: c.3182C>T, p.Thr1061Ile (NM_001077183.3, NM_001370404.1); c.3314C>T, p.Thr1105Ile (NM_001114382.3); c.3074C>T, p.Thr1025Ile (NM_001318827.2); c.3038C>T, p.Thr1013Ile (NM_001318829.2); c.2582C>T, p.Thr861Ile (NM_001318831.2); c.3215C>T, p.Thr1072Ile (NM_001318832.2); c.3185C>T, p.Thr1062Ile (NM_001363528.2, NM_001370405.1, NM_021055.3); short protein forms T1105I, T1072I, T1025I, T1013I, T1061I, T1062I, T861I.
Identifiers: ClinVar variation 570726 (VCV000570726.14), dbSNP rs946381749, ClinGen allele CA276746101.

ClinVar aggregate classification (germline): Conflicting classifications of pathogenicity. Review status: criteria provided, conflicting classifications (1 of 4 stars). 6 submissions from 6 submitters: Uncertain significance (5); Benign (1). Last evaluated 2025-11-05.

Conditions:
Tuberous sclerosis syndrome (TSC). Also called: Tuberous sclerosis; Tuberous Sclerosis Complex. Identifiers: Orphanet 805, MedGen C0041341, MONDO:0001734.
Isolated focal cortical dysplasia type II (FCORD2). Also called: Focal cortical dysplasia type II; CORTICAL DYSPLASIA OF TAYLOR. Identifiers: Orphanet 268994, MedGen C1846385, MONDO:0011818, OMIM 607341, HP:0032051.
Lymphangiomyomatosis (LAM). Also called: Lymphangioleiomyomatosis; Lymphangioleiomyomatosis, somatic. Identifiers: Orphanet 538, MedGen C0751674, MONDO:0011705, OMIM 606690.
Tuberous sclerosis 2 (TSC2). Identifiers: Orphanet 805, MedGen C1860707, MONDO:0013199, OMIM 613254.
Hereditary cancer-predisposing syndrome. Also called: Hereditary neoplastic syndrome; Neoplastic Syndromes, Hereditary; Hereditary Cancer Syndrome; Tumor predisposition. Identifiers: Orphanet 140162, MedGen C0027672, MeSH D009386, MONDO:0015356.

Allele frequency attached by ClinVar (database versions not stated): gnomAD exomes below 0.00001; TOPMed 0.00001.
gnomAD v4.1: 2 of 1,611,642 alleles (0.00012%); highest among the groups gnomAD compares: East Asian, 0.0022%; no homozygotes.

Submissions (6):

Labcorp Genetics (formerly Invitae), Labcorp
Classification: Benign for Tuberous sclerosis 2. Last evaluated: 2025-11-05. Review status: criteria provided, single submitter. Criteria: Invitae Variant Classification Sherloc (09022015). Collection method: clinical testing. Allele origin: germline.

Color Diagnostics, LLC DBA Color Health
Classification: Uncertain significance for Tuberous sclerosis syndrome. Last evaluated: 2025-06-24. Review status: criteria provided, single submitter. Criteria: ACMG Guidelines, 2015. Collection method: clinical testing. Allele origin: germline.
Comment: This missense variant replaces threonine with isoleucine at codon 1105 of the TSC2 protein. Computational prediction is inconclusive regarding the impact of this variant on protein structure and function. To our knowledge, functional studies have not been reported for this variant. This variant has not been reported in individuals affected with TSC2-related disorders in the literature. This variant has not been identified in the general population by the Genome Aggregation Database (gnomAD). The available evidence is insufficient to determine the role of this variant in disease conclusively. Therefore, this variant is classified as a Variant of Uncertain Significance.

Ambry Genetics
Classification: Uncertain significance for Hereditary cancer-predisposing syndrome. Last evaluated: 2025-05-04. Review status: criteria provided, single submitter. Criteria: Ambry Variant Classification Scheme 2023. Collection method: clinical testing. Allele origin: germline.
Comment: The p.T1105I variant (also known as c.3314C>T), located in coding exon 28 of the TSC2 gene, results from a C to T substitution at nucleotide position 3314. The threonine at codon 1105 is replaced by isoleucine, an amino acid with similar properties. This amino acid position is well conserved in available vertebrate species. In addition, the in silico prediction for this alteration is inconclusive. Since supporting evidence is limited at this time, the clinical significance of this alteration remains unclear.

All of Us Research Program, National Institutes of Health
Classification: Uncertain significance for Tuberous sclerosis syndrome. Last evaluated: 2023-09-17. Review status: criteria provided, single submitter. Criteria: ACMG Guidelines, 2015. Collection method: clinical testing. Allele origin: germline. Inheritance: Autosomal dominant inheritance. Observed: 1 variant allele, 1 heterozygote.
Comment: This missense variant replaces threonine with isoleucine at codon 1105 of the TSC2 protein. Computational prediction is inconclusive regarding the impact of this variant on protein structure and function (internally defined REVEL score threshold 0.5 < inconclusive < 0.7, PMID: 27666373). To our knowledge, functional studies have not been reported for this variant. This variant has not been reported in individuals affected with tuberous sclerosis complex in the literature. This variant has not been identified in the general population by the Genome Aggregation Database (gnomAD). The available evidence is insufficient to determine the role of this variant in disease conclusively. Therefore, this variant is classified as a Variant of Uncertain Significance.

This study involves interpretation of variants in research participants for the purpose of population health screening. Participant phenotype was not available at the time of variant classification. Additional details can be found in publication PMID: 35346344, PMCID: PMC8962531

GeneDx
Classification: Uncertain significance. Last evaluated: 2023-04-17. Review status: criteria provided, single submitter. Criteria: GeneDx Variant Classification Process June 2021. Collection method: clinical testing. Allele origin: germline. Affected: yes.
Comment: Not observed at significant frequency in large population cohorts (gnomAD); In silico analysis supports that this missense variant has a deleterious effect on protein structure/function; Has not been previously published as pathogenic or benign to our knowledge

Fulgent Genetics
Classification: Uncertain significance for Lymphangiomyomatosis; Isolated focal cortical dysplasia type II; Tuberous sclerosis 2. Last evaluated: 2021-10-20. Review status: criteria provided, single submitter. Criteria: ACMG Guidelines, 2015. Collection method: clinical testing. Allele origin: unknown.